The following is an entry in ClinVar:

ClinVar aggregate classification (germline): Uncertain significance. Review status: criteria provided, multiple submitters, no conflicts (2 of 4 stars). 2 submissions from 2 submitters: Uncertain significance (2). Last evaluated 2022-09-07.

Allele frequency attached by ClinVar (database versions not stated): gnomAD exomes below 0.00001; ExAC 0.00001; gnomAD 0.00001 and 0.00002; TOPMed 0.00001; 1000 Genomes Project 0.00040; 1000 Genomes Project 30x 0.00047.
gnomAD v4.1: 7 of 1,613,314 alleles (0.00043%); highest among the groups gnomAD compares: Admixed American, 0.01%; no homozygotes.

Submissions (2):

Labcorp Genetics (formerly Invitae), Labcorp
Classification: Uncertain significance. Last evaluated: 2022-09-07. Review status: criteria provided, single submitter. Criteria: Invitae Variant Classification Sherloc (09022015). Collection method: clinical testing. Allele origin: germline.
Comment: In summary, the available evidence is currently insufficient to determine the role of this variant in disease. Therefore, it has been classified as a Variant of Uncertain Significance. Algorithms developed to predict the effect of missense changes on protein structure and function are either unavailable or do not agree on the potential impact of this missense change (SIFT: "Deleterious"; PolyPhen-2: "Benign"; Align-GVGD: "Class C0"). ClinVar contains an entry for this variant (Variation ID: 1361223). This variant has not been reported in the literature in individuals affected with KIAA1549-related conditions. This variant is present in population databases (rs555764778, gnomAD 0.003%). This sequence change replaces proline, which is neutral and non-polar, with serine, which is neutral and polar, at codon 1504 of the KIAA1549 protein (p.Pro1504Ser).

Blueprint Genetics
Classification: Uncertain significance. Last evaluated: 2021-04-16. Review status: criteria provided, single submitter. Criteria: ACMG Guidelines, 2015. Collection method: clinical testing. Allele origin: germline.

NM_001164665.2(KIAA1549):c.4510C>T (p.Pro1504Ser)

Gene: KIAA1549 (KIAA1549; minus strand). Cytogenetic location: 7q34.
Variant type: single nucleotide variant.
Coding change: c.4510C>T on transcript NM_001164665.2 (MANE Select); coding-DNA position 4510, C replaced by T.
Protein change: p.Pro1504Ser; replaces proline 1504 with serine.
Molecular consequence: missense variant.
Genome position (GRCh38, 1-based): chr7:138,871,198, G>A on the plus strand (C>T on the coding strand, the complement: KIAA1549 is on the minus strand). VCF-style: chr7-138871198-G-A. GRCh37 (hg19) VCF-style: chr7-138555944-G-A.
Other names: c.4510C>T, p.Pro1504Ser (NM_020910.3); short protein forms P1504S.
Identifiers: ClinVar variation 1361223 (VCV001361223.7), dbSNP rs555764778, ClinGen allele CA4505871.